The following is an entry in ClinVar:

ClinVar aggregate classification (germline): Likely benign (1 of 4 stars; one submission).

Allele frequency attached by ClinVar (database versions not stated): 1000 Genomes Project 0.00319; 1000 Genomes Project 30x 0.00328; TOPMed 0.00341; ExAC 0.00445; gnomAD exomes 0.00454; gnomAD 0.00472; ESP Exome Variant Server 0.00477.
gnomAD v4.1: 7,304 of 1,612,976 alleles (0.45%); highest among the groups gnomAD compares: Non-Finnish European, 0.51%; 29 homozygotes.

Submission:

CeGaT Center for Human Genetics Tuebingen
Classification: Likely benign. Last evaluated: 2023-02-01. Review status: criteria provided, single submitter. Criteria: CeGaT Center For Human Genetics Tuebingen Variant Classification Criteria Version 2. Collection method: clinical testing. Allele origin: germline. Affected: yes. Observed: 1 variant allele.
Comment: CIB3: BP4, BP7

NM_054113.4(CIB3):c.123C>T (p.Leu41=)

Gene: CIB3 (calcium and integrin binding family member 3; minus strand). Cytogenetic location: 19p13.11.
Variant type: single nucleotide variant.
Coding change: c.123C>T on transcript NM_054113.4 (MANE Select); coding-DNA position 123, C replaced by T.
Protein change: p.Leu41=; no amino-acid change (leucine 41 retained).
Molecular consequence: synonymous variant. On other transcripts: intron variant (1).
Genome position (GRCh38, 1-based): chr19:16,169,705, G>A on the plus strand (C>T on the coding strand, the complement: CIB3 is on the minus strand). VCF-style: chr19-16169705-G-A. GRCh37 (hg19) VCF-style: chr19-16280516-G-A.
Other names: c.52-1421C>T (NM_001300922.2).
Identifiers: ClinVar variation 2649507 (VCV002649507.24), dbSNP rs111791587, ClinGen allele CA9276339.